The following is an entry in ClinVar:

ClinVar aggregate classification (germline): Uncertain significance (1 of 4 stars; one submission).

Submission:

Labcorp Genetics (formerly Invitae), Labcorp
Classification: Uncertain significance. Last evaluated: 2023-07-22. Review status: criteria provided, single submitter. Criteria: Invitae Variant Classification Sherloc (09022015). Collection method: clinical testing. Allele origin: unknown.
Comment: In summary, the available evidence is currently insufficient to determine the role of this variant in disease. Therefore, it has been classified as a Variant of Uncertain Significance. This variant has not been reported in the literature in individuals affected with IRF2BP2-related conditions. A gross deletion of the genomic region encompassing the full coding sequence of the IRF2BP2 gene has been identified. The current clinical and genetic evidence is not sufficient to establish whether loss-of-function variants in IRF2BP2 cause disease. The boundaries of this event are unknown as they extend beyond the assayed region for this gene and therefore may encompass additional genes.

NC_000001.10:g.(?_234742883)_(234745240_?)del

Gene: IRF2BP2 (interferon regulatory factor 2 binding protein 2; minus strand). Cytogenetic location: 1q42.3.
Variant type: Deletion.
Identifiers: ClinVar variation 3248034 (VCV003248034.1).